The following is an entry in ClinVar:

NM_001159702.3(FHL1):c.-109C>A

Gene: FHL1 (four and a half LIM domains 1; plus strand). Cytogenetic location: Xq26.3.
Variant type: single nucleotide variant.
Coding change: c.-109C>A on transcript NM_001159702.3 (MANE Plus Clinical); 109 bases upstream of the start codon, C replaced by A.
Molecular consequence: 5 prime UTR variant.
Genome position (GRCh38, 1-based): chrX:136,147,620, C>A. VCF-style: chrX-136147620-C-A. GRCh37 (hg19) VCF-style: chrX-135229779-C-A.
Other names: c.-109C>A (NM_001159703.2, NM_001449.5).
Identifiers: ClinVar variation 512539 (VCV000512539.3), dbSNP rs1556630646, ClinGen allele CA658799870.

ClinVar aggregate classification (germline): Likely benign (1 of 4 stars; one submission).

Allele frequency attached by ClinVar (database versions not stated): TOPMed 0.00005; gnomAD 0.00005 and 0.00004.
gnomAD v4.1: 5 of 108,448 alleles (0.0046%); highest among the groups gnomAD compares: Admixed American, 0.039%; no homozygotes.

Submission:

GeneDx
Classification: Likely benign. Last evaluated: 2017-10-06. Review status: criteria provided, single submitter. Criteria: GeneDx Variant Classification (06012015). Collection method: clinical testing. Allele origin: germline. Affected: yes.
Comment: This variant is considered likely benign or benign based on one or more of the following criteria: it is a conservative change, it occurs at a poorly conserved position in the protein, it is predicted to be benign by multiple in silico algorithms, and/or has population frequency not consistent with disease.